The following is an entry in ClinVar:

ClinVar aggregate classification (germline): Uncertain significance (1 of 4 stars; one submission).

Allele frequency attached by ClinVar (database versions not stated): gnomAD 0.00002; gnomAD exomes 0.00002; TOPMed 0.00002.
gnomAD v4.1: 22 of 1,555,682 alleles (0.0014%); highest among the groups gnomAD compares: African/African-American, 0.011%; no homozygotes.

Submission:

Labcorp Genetics (formerly Invitae), Labcorp
Classification: Uncertain significance. Last evaluated: 2024-10-28. Review status: criteria provided, single submitter. Criteria: Invitae Variant Classification Sherloc (09022015). Collection method: clinical testing. Allele origin: germline.
Comment: This sequence change replaces arginine, which is basic and polar, with glutamine, which is neutral and polar, at codon 58 of the LRRC56 protein (p.Arg58Gln). The frequency data for this variant in the population databases is considered unreliable, as metrics indicate poor data quality at this position in the gnomAD database. This variant has not been reported in the literature in individuals affected with LRRC56-related conditions. ClinVar contains an entry for this variant (Variation ID: 1353250). Invitae Evidence Modeling of protein sequence and biophysical properties (such as structural, functional, and spatial information, amino acid conservation, physicochemical variation, residue mobility, and thermodynamic stability) indicates that this missense variant is not expected to disrupt LRRC56 protein function with a negative predictive value of 80%. In summary, the available evidence is currently insufficient to determine the role of this variant in disease. Therefore, it has been classified as a Variant of Uncertain Significance.

NM_198075.4(LRRC56):c.173G>A (p.Arg58Gln)

Gene: LRRC56 (leucine rich repeat containing 56; plus strand). Cytogenetic location: 11p15.5.
Variant type: single nucleotide variant.
Coding change: c.173G>A on transcript NM_198075.4 (MANE Select); coding-DNA position 173, G replaced by A.
Protein change: p.Arg58Gln; replaces arginine 58 with glutamine.
Molecular consequence: missense variant.
Genome position (GRCh38, 1-based): chr11:540,857, G>A. VCF-style: chr11-540857-G-A. GRCh37 (hg19) VCF-style: chr11-540857-G-A.
Other names: short protein forms R58Q.
Identifiers: ClinVar variation 1353250 (VCV001353250.7), dbSNP rs1022447291, ClinGen allele CA216887333.